The following is an entry in ClinVar:

NM_000222.3(KIT):c.1547T>G (p.Ile516Ser)

Gene: KIT (KIT proto-oncogene, receptor tyrosine kinase; plus strand). Cytogenetic location: 4q12.
Variant type: single nucleotide variant.
Coding change: c.1547T>G on transcript NM_000222.3 (MANE Select); coding-DNA position 1547, T replaced by G.
Protein change: p.Ile516Ser; replaces isoleucine 516 with serine.
Molecular consequence: missense variant.
Genome position (GRCh38, 1-based): chr4:54,727,224, T>G. VCF-style: chr4-54727224-T-G. GRCh37 (hg19) VCF-style: chr4-55593390-T-G.
Other names: c.1535T>G, p.Ile512Ser (NM_001093772.2, NM_001385286.1); c.1550T>G, p.Ile517Ser (NM_001385284.1, NM_001385290.1); c.1547T>G, p.Ile516Ser (NM_001385285.1); c.1538T>G, p.Ile513Ser (NM_001385288.1, NM_001385292.1); short protein forms I517S, I513S, I512S, I516S.
Identifiers: ClinVar variation 4645133 (VCV004645133.1).

ClinVar aggregate classification (germline): Uncertain significance (1 of 4 stars; one submission).

Conditions:
Hereditary cancer-predisposing syndrome. Also called: Neoplastic Syndromes, Hereditary; Tumor predisposition; Hereditary Cancer Syndrome; Hereditary neoplastic syndrome. Identifiers: Orphanet 140162, MedGen C0027672, MeSH D009386, MONDO:0015356.

Submission:

Ambry Genetics
Classification: Uncertain significance for Hereditary cancer-predisposing syndrome. Last evaluated: 2025-10-25. Review status: criteria provided, single submitter. Criteria: Ambry Variant Classification Scheme 2023. Collection method: clinical testing. Allele origin: germline.
Comment: The p.I516S variant (also known as c.1547T>G), located in coding exon 10 of the KIT gene, results from a T to G substitution at nucleotide position 1547. The isoleucine at codon 516 is replaced by serine, an amino acid with dissimilar properties. This amino acid position is conserved. In addition, this alteration is predicted to be tolerated by in silico analysis. Based on the available evidence, the clinical significance of this variant remains unclear.